The following is an entry in ClinVar:

ClinVar aggregate classification (germline): Uncertain significance. Review status: criteria provided, single submitter (1 of 4 stars). 2 submissions from 2 submitters: Uncertain significance (1). 1 of the submissions does not count toward it. Last evaluated 2022-10-17.

Conditions:
Pontocerebellar hypoplasia type 1A (PCH1A). Also called: PONTOCEREBELLAR HYPOPLASIA WITH ANTERIOR HORN CELL DISEASE; PONTOCEREBELLAR HYPOPLASIA WITH INFANTILE SPINAL MUSCULAR ATROPHY. Identifiers: Orphanet 2254, Orphanet 88616, MedGen C1843504, MONDO:0011866, OMIM 607596.

Submissions (2):

Labcorp Genetics (formerly Invitae), Labcorp
Classification: Uncertain significance for Pontocerebellar hypoplasia type 1A. Last evaluated: 2022-10-17. Review status: criteria provided, single submitter. Criteria: Invitae Variant Classification Sherloc (09022015). Collection method: clinical testing. Allele origin: germline.
Comment: This sequence change replaces lysine, which is basic and polar, with glutamic acid, which is acidic and polar, at codon 147 of the VRK1 protein (p.Lys147Glu). This variant is not present in population databases (gnomAD no frequency). In summary, the available evidence is currently insufficient to determine the role of this variant in disease. Therefore, it has been classified as a Variant of Uncertain Significance. Algorithms developed to predict the effect of missense changes on protein structure and function (SIFT, PolyPhen-2, Align-GVGD) all suggest that this variant is likely to be tolerated. ClinVar contains an entry for this variant (Variation ID: 839347). This variant has not been reported in the literature in individuals affected with VRK1-related conditions.

Natera, Inc.
Classification: Uncertain significance for Pontocerebellar hypoplasia, type 1a. Last evaluated: 2021-01-28. Review status: no assertion criteria provided. Collection method: clinical testing. Allele origin: germline. Not counted in ClinVar's aggregate classification.

NM_003384.3(VRK1):c.439A>G (p.Lys147Glu)

Gene: VRK1 (VRK serine/threonine kinase 1; plus strand). Cytogenetic location: 14q32.2.
Variant type: single nucleotide variant.
Coding change: c.439A>G on transcript NM_003384.3 (MANE Select); coding-DNA position 439, A replaced by G.
Protein change: p.Lys147Glu; replaces lysine 147 with glutamic acid.
Molecular consequence: missense variant.
Genome position (GRCh38, 1-based): chr14:96,852,895, A>G. VCF-style: chr14-96852895-A-G. GRCh37 (hg19) VCF-style: chr14-97319232-A-G.
Other names: short protein forms K147E.
Identifiers: ClinVar variation 839347 (VCV000839347.10), dbSNP rs1888005284, ClinGen allele CA390930356.